The following is an entry in ClinVar:

ClinVar aggregate classification (germline): Uncertain significance (1 of 4 stars; one submission).

Submission:

GeneDx
Classification: Uncertain significance. Last evaluated: 2025-07-24. Review status: criteria provided, single submitter. Criteria: GeneDx Variant Classification Process June 2021. Collection method: clinical testing. Allele origin: germline. Affected: yes.
Comment: Not observed at significant frequency in large population cohorts (gnomAD); In silico analysis suggests that this missense variant does not alter protein structure/function; Has not been previously published as pathogenic or benign to our knowledge

NM_001999.4(FBN2):c.805A>G (p.Ile269Val)

Gene: FBN2 (fibrillin 2; minus strand). Cytogenetic location: 5q23.3.
Variant type: single nucleotide variant.
Coding change: c.805A>G on transcript NM_001999.4 (MANE Select); coding-DNA position 805, A replaced by G.
Protein change: p.Ile269Val; replaces isoleucine 269 with valine.
Molecular consequence: missense variant.
Genome position (GRCh38, 1-based): chr5:128,464,745, T>C on the plus strand (A>G on the coding strand, the complement: FBN2 is on the minus strand). VCF-style: chr5-128464745-T-C. GRCh37 (hg19) VCF-style: chr5-127800438-T-C.
Other names: short protein forms I269V.
Identifiers: ClinVar variation 4686962 (VCV004686962.1).